The following is an entry in ClinVar:

ClinVar aggregate classification (germline): Uncertain significance (1 of 4 stars; one submission).

Conditions:
Episodic kinesigenic dyskinesia (EKD). Also called: Paroxysmal kinesigenic dyskinesia. Identifiers: Orphanet 98809, MedGen C1868682, MONDO:0044202.

Submission:

Labcorp Genetics (formerly Invitae), Labcorp
Classification: Uncertain significance for Episodic kinesigenic dyskinesia. Last evaluated: 2024-04-15. Review status: criteria provided, single submitter. Criteria: Invitae Variant Classification Sherloc (09022015). Collection method: clinical testing. Allele origin: germline.
Comment: This sequence change replaces proline, which is neutral and non-polar, with leucine, which is neutral and non-polar, at codon 282 of the PRRT2 protein (p.Pro282Leu). This variant is not present in population databases (gnomAD no frequency). This variant has not been reported in the literature in individuals affected with PRRT2-related conditions. ClinVar contains an entry for this variant (Variation ID: 664614). Advanced modeling of protein sequence and biophysical properties (such as structural, functional, and spatial information, amino acid conservation, physicochemical variation, residue mobility, and thermodynamic stability) performed at Invitae indicates that this missense variant is expected to disrupt PRRT2 protein function with a positive predictive value of 95%. In summary, the available evidence is currently insufficient to determine the role of this variant in disease. Therefore, it has been classified as a Variant of Uncertain Significance.

NM_145239.3(PRRT2):c.845C>T (p.Pro282Leu)

Genes: MVP-DT (MVP divergent transcript; minus strand), PRRT2 (proline rich transmembrane protein 2; plus strand). Cytogenetic location: 16p11.2.
Variant type: single nucleotide variant.
Coding change: c.845C>T on transcript NM_145239.3 (MANE Select); coding-DNA position 845, C replaced by T.
Protein change: p.Pro282Leu; replaces proline 282 with leucine.
Molecular consequence: missense variant.
Genome position (GRCh38, 1-based): chr16:29,813,899, C>T. VCF-style: chr16-29813899-C-T. GRCh37 (hg19) VCF-style: chr16-29825220-C-T.
Other names: c.845C>T, p.Pro282Leu (NM_001256442.2, NM_001256443.2); short protein forms P282L.
Identifiers: ClinVar variation 664614 (VCV000664614.9), dbSNP rs1596893062, ClinGen allele CA395480087.
Genomic context (GRCh38, chr16:29,813,899, plus strand): 5'-CCCAGAAACCTCGGGACTACATCATCCTTGCCATCCTGTCCTGCTTCTGCCCCATGTGGC[C>T]TGTCAACATCGTGGCCTTCGCTTATGCTGTCATGGTGAGCCCCATGGGACCCTAGCCCAG-3'
Protein context (NP_660282.2, residues 272-292): AILSCFCPMW[Pro282Leu]VNIVAFAYAV